The following is an entry in ClinVar:

NM_000426.4(LAMA2):c.6455G>A (p.Gly2152Asp)

Gene: LAMA2 (laminin subunit alpha 2; plus strand). Cytogenetic location: 6q22.33.
Variant type: single nucleotide variant.
Coding change: c.6455G>A on transcript NM_000426.4 (MANE Select); coding-DNA position 6455, G replaced by A.
Protein change: p.Gly2152Asp; replaces glycine 2152 with aspartic acid.
Molecular consequence: missense variant.
Genome position (GRCh38, 1-based): chr6:129,453,013, G>A. VCF-style: chr6-129453013-G-A. GRCh37 (hg19) VCF-style: chr6-129774158-G-A.
Other names: c.6455G>A, p.Gly2152Asp (NM_001079823.2); c.6455G>A (NM_000426.3); short protein forms G2152D.
Identifiers: ClinVar variation 1441600 (VCV001441600.8), dbSNP rs2114788571, ClinGen allele CA365616413.
Genomic context (GRCh38, chr6:129,453,013, plus strand): 5'-TACTCTTGGTTCTTTGTATCTTGTTTTTTTTAAAGATCAAAGTATCTGTGTCTTCAGGAG[G>A]TGACTGCATTCGAACATACAAACCAGAAATCAAGAAAGGAAGTTACAATAATATTGTTGT-3'
Protein context (NP_000417.3, residues 2142-2162): NSIKVSVSSG[Gly2152Asp]DCIRTYKPEI

ClinVar aggregate classification (germline): Uncertain significance. Review status: criteria provided, multiple submitters, no conflicts (2 of 4 stars). 2 submissions from 2 submitters: Uncertain significance (2). Last evaluated 2024-01-15.

Conditions:
LAMA2-related muscular dystrophy (LAMA2-RD). Also called: Laminin alpha 2-related dystrophy. Identifiers: MedGen C5679788, MONDO:0100228.

Submissions (2):

Labcorp Genetics (formerly Invitae), Labcorp
Classification: Uncertain significance for LAMA2-related muscular dystrophy. Last evaluated: 2024-01-15. Review status: criteria provided, single submitter. Criteria: Invitae Variant Classification Sherloc (09022015). Collection method: clinical testing. Allele origin: germline.
Comment: This sequence change replaces glycine, which is neutral and non-polar, with aspartic acid, which is acidic and polar, at codon 2152 of the LAMA2 protein (p.Gly2152Asp). This variant is not present in population databases (gnomAD no frequency). This variant has not been reported in the literature in individuals affected with LAMA2-related conditions. ClinVar contains an entry for this variant (Variation ID: 1441600). Advanced modeling of protein sequence and biophysical properties (such as structural, functional, and spatial information, amino acid conservation, physicochemical variation, residue mobility, and thermodynamic stability) performed at Invitae indicates that this missense variant is not expected to disrupt LAMA2 protein function with a negative predictive value of 95%. In summary, the available evidence is currently insufficient to determine the role of this variant in disease. Therefore, it has been classified as a Variant of Uncertain Significance.

Revvity Omics, Revvity
Classification: Uncertain significance. Last evaluated: 2021-11-01. Review status: criteria provided, single submitter. Criteria: ACMG Guidelines, 2015. Collection method: clinical testing. Allele origin: germline.